The following is an entry in ClinVar:

NM_001394062.1(MACF1):c.2853C>G (p.Ser951Arg)

Gene: MACF1 (microtubule actin crosslinking factor 1; plus strand). Cytogenetic location: 1p34.3.
Variant type: single nucleotide variant.
Coding change: c.2853C>G on transcript NM_001394062.1 (MANE Select); coding-DNA position 2853, C replaced by G.
Protein change: p.Ser951Arg; replaces serine 951 with arginine.
Molecular consequence: missense variant.
Genome position (GRCh38, 1-based): chr1:39,309,633, C>G. VCF-style: chr1-39309633-C-G. GRCh37 (hg19) VCF-style: chr1-39775305-C-G.
Other names: c.2868C>G, p.Ser956Arg (NM_012090.5); short protein forms S951R, S956R.
Identifiers: ClinVar variation 5008647 (VCV005008647.1).

ClinVar aggregate classification (germline): Uncertain significance (1 of 4 stars; one submission).

Submission:

GeneDx
Classification: Uncertain significance. Last evaluated: 2026-03-05. Review status: criteria provided, single submitter. Criteria: GeneDx Variant Classification Process June 2021. Collection method: clinical testing. Allele origin: germline.
Comment: Not observed at significant frequency in large population cohorts (gnomAD); In silico analysis supports that this missense variant has a deleterious effect on protein structure/function; Has not been previously published as pathogenic or benign to our knowledge